The following is an entry in ClinVar:

NM_001286577.2(C2CD3):c.2448T>G (p.Asp816Glu)

Gene: C2CD3 (C2 domain containing 3 centriole elongation regulator; minus strand). Cytogenetic location: 11q13.4.
Variant type: single nucleotide variant.
Coding change: c.2448T>G on transcript NM_001286577.2 (MANE Select); coding-DNA position 2448, T replaced by G.
Protein change: p.Asp816Glu; replaces aspartic acid 816 with glutamic acid.
Molecular consequence: missense variant.
Genome position (GRCh38, 1-based): chr11:74,103,263, A>C on the plus strand (T>G on the coding strand, the complement: C2CD3 is on the minus strand). VCF-style: chr11-74103263-A-C. GRCh37 (hg19) VCF-style: chr11-73814308-A-C.
Other names: c.2448T>G, p.Asp816Glu (NM_015531.6); short protein forms D816E.
Identifiers: ClinVar variation 1447686 (VCV001447686.4), dbSNP rs140093956, ClinGen allele CA6182643.

ClinVar aggregate classification (germline): Uncertain significance (1 of 4 stars; one submission).

Allele frequency attached by ClinVar (database versions not stated): gnomAD exomes 0.00001; ExAC 0.00002; gnomAD 0.00003; TOPMed 0.00003; ESP Exome Variant Server 0.00008.
gnomAD v4.1: 20 of 1,614,084 alleles (0.0012%); highest among the groups gnomAD compares: African/African-American, 0.0027%; no homozygotes.

Submission:

Labcorp Genetics (formerly Invitae), Labcorp
Classification: Uncertain significance. Last evaluated: 2023-05-16. Review status: criteria provided, single submitter. Criteria: Invitae Variant Classification Sherloc (09022015). Collection method: clinical testing. Allele origin: germline.
Comment: This variant is present in population databases (rs140093956, gnomAD 0.004%). This sequence change replaces aspartic acid, which is acidic and polar, with glutamic acid, which is acidic and polar, at codon 816 of the C2CD3 protein (p.Asp816Glu). This variant has not been reported in the literature in individuals affected with C2CD3-related conditions. In summary, the available evidence is currently insufficient to determine the role of this variant in disease. Therefore, it has been classified as a Variant of Uncertain Significance. Advanced modeling of protein sequence and biophysical properties (such as structural, functional, and spatial information, amino acid conservation, physicochemical variation, residue mobility, and thermodynamic stability) performed at Invitae indicates that this missense variant is expected to disrupt C2CD3 protein function. ClinVar contains an entry for this variant (Variation ID: 1447686).